The following is an entry in ClinVar:

ClinVar aggregate classification (germline): Benign. Review status: criteria provided, multiple submitters, no conflicts (2 of 4 stars). 2 submissions from 2 submitters: Benign (2). Last evaluated 2026-01-20.

Conditions:
STT3B-congenital disorder of glycosylation. Also called: STT3B-CDG; CDG Ix; Congenital disorder of glycosylation type 1x. Identifiers: Orphanet 370924, MedGen C2931007, MONDO:0014271, OMIM 615597.

Allele frequency attached by ClinVar (database versions not stated): ESP Exome Variant Server 0.00015; gnomAD exomes 0.00096; gnomAD 0.00143 and 0.00182; TOPMed 0.00312; ExAC 0.00327; 1000 Genomes Project 30x 0.00718; 1000 Genomes Project 0.00779.
gnomAD v4.1: 1,750 of 1,606,780 alleles (0.11%); highest among the groups gnomAD compares: East Asian, 3.4%; 36 homozygotes.

Submissions (2):

Labcorp Genetics (formerly Invitae), Labcorp
Classification: Benign for STT3B-congenital disorder of glycosylation. Last evaluated: 2026-01-20. Review status: criteria provided, single submitter. Criteria: Invitae Variant Classification Sherloc (09022015). Collection method: clinical testing. Allele origin: germline.

GeneDx
Classification: Benign. Last evaluated: 2016-09-26. Review status: criteria provided, single submitter. Criteria: GeneDx Variant Classification (06012015). Collection method: clinical testing. Allele origin: germline. Affected: yes.
Comment: This variant is considered likely benign or benign based on one or more of the following criteria: it is a conservative change, it occurs at a poorly conserved position in the protein, it is predicted to be benign by multiple in silico algorithms, and/or has population frequency not consistent with disease.

NM_178862.3(STT3B):c.2073+14T>C

Gene: STT3B (STT3 oligosaccharyltransferase complex catalytic subunit B; plus strand). Cytogenetic location: 3p23.
Variant type: single nucleotide variant.
Coding change: c.2073+14T>C on transcript NM_178862.3 (MANE Select); 14 bases into the intron after coding-DNA position 2073, T replaced by C.
Molecular consequence: intron variant.
Genome position (GRCh38, 1-based): chr3:31,626,141, T>C. VCF-style: chr3-31626141-T-C. GRCh37 (hg19) VCF-style: chr3-31667633-T-C.
Identifiers: ClinVar variation 387997 (VCV000387997.8), dbSNP rs59520046, ClinGen allele CA2295333.